The following is an entry in ClinVar:

ClinVar aggregate classification (germline): Benign. Review status: criteria provided, multiple submitters, no conflicts (2 of 4 stars). 5 submissions from 4 submitters: Benign (5). Last evaluated 2025-01-31.

Conditions:
Rhizomelic chondrodysplasia punctata type 1 (RCDP1). Also called: CHONDRODYSTROPHIA CALCIFICANS PUNCTATA; PEX7-Related Rhizomelic Chondrodysplasia Punctata; PEROXISOME BIOGENESIS DISORDER 9. Identifiers: Orphanet 177, Orphanet 309789, MedGen C1859133, MONDO:0008972, OMIM 215100. Disease mechanism: loss of function.
Peroxisome biogenesis disorder 9B. Also called: PEX7-Related Refsum Disease; PEROXISOME BIOGENESIS DISORDER, PEX7-RELATED, ATYPICAL; Refsum disease, adult, 2. Identifiers: Orphanet 773, MedGen C2749346, MONDO:0013945, OMIM 614879.

Allele frequency attached by ClinVar (database versions not stated): gnomAD exomes 0.97354; gnomAD 0.97976 and 0.98050; TOPMed 0.98390; 1000 Genomes Project 0.98403; 1000 Genomes Project 30x 0.98532.
gnomAD v4.1: 843,515 of 865,334 alleles (97%); highest among the groups gnomAD compares: East Asian, 100%; 411,231 homozygotes.

Submissions (5):

Labcorp Genetics (formerly Invitae), Labcorp
Classification: Benign for Peroxisome biogenesis disorder 9B. Last evaluated: 2025-01-31. Review status: criteria provided, single submitter. Criteria: Invitae Variant Classification Sherloc (09022015). Collection method: clinical testing. Allele origin: germline.

Genome-Nilou Lab
Classification: Benign for Peroxisome biogenesis disorder 9B. Last evaluated: 2021-07-10. Review status: criteria provided, single submitter. Criteria: ACMG Guidelines, 2015. Collection method: clinical testing. Allele origin: germline. Affected: no.

Genome-Nilou Lab
Classification: Benign for Rhizomelic chondrodysplasia punctata type 1. Last evaluated: 2021-07-10. Review status: criteria provided, single submitter. Criteria: ACMG Guidelines, 2015. Collection method: clinical testing. Allele origin: germline. Affected: no.

Mendelics
Classification: Benign for Rhizomelic chondrodysplasia punctata type 1. Last evaluated: 2019-05-28. Review status: criteria provided, single submitter. Criteria: Mendelics Assertion Criteria 2017. Collection method: clinical testing. Allele origin: unknown.

GeneDx
Classification: Benign. Last evaluated: 2018-06-25. Review status: criteria provided, single submitter. Criteria: GeneDx Variant Classification Process June 2021. Collection method: clinical testing. Allele origin: germline. Affected: yes.
Comment: This variant is associated with the following publications: (PMID: 30747064)

NM_000288.4(PEX7):c.340-71G>A

Gene: PEX7 (peroxisomal biogenesis factor 7; plus strand). Cytogenetic location: 6q23.3.
Variant type: single nucleotide variant.
Coding change: c.340-71G>A on transcript NM_000288.4 (MANE Select); 71 bases into the intron before coding-DNA position 340, G replaced by A.
Molecular consequence: intron variant.
Genome position (GRCh38, 1-based): chr6:136,845,544, G>A. VCF-style: chr6-136845544-G-A. GRCh37 (hg19) VCF-style: chr6-137166682-G-A.
Identifiers: ClinVar variation 802274 (VCV000802274.10), dbSNP rs927181, ClinGen allele CA148643322.